The following is an entry in ClinVar:

ClinVar aggregate classification (germline): Conflicting classifications of pathogenicity. Review status: criteria provided, conflicting classifications (1 of 4 stars). 4 submissions from 4 submitters: Uncertain significance (2); Likely benign (2). Last evaluated 2025-05-17.

Conditions:
Cardiovascular phenotype. Identifiers: MedGen CN230736.
Cardiomyopathy (CMYO). Also called: Cardiomyopathies. Identifiers: Orphanet 167848, MedGen C0878544, MONDO:0004994, HP:0001638. Inheritance: Various modes of inheritance.
Hypertrophic cardiomyopathy. Also called: HYPERTROPHIC MYOCARDIOPATHY. Identifiers: Orphanet 217569, MedGen C0007194, MeSH D002312, MONDO:0005045, HP:0001639.

Allele frequency attached by ClinVar (database versions not stated): ExAC 0.00001; gnomAD 0.00001; gnomAD exomes 0.00001; TOPMed 0.00002.
gnomAD v4.1: 15 of 1,613,142 alleles (0.00093%); highest among the groups gnomAD compares: Admixed American, 0.0017%; no homozygotes.

Submissions (4):

Ambry Genetics
Classification: Uncertain significance for Cardiovascular phenotype. Last evaluated: 2025-05-17. Review status: criteria provided, single submitter. Criteria: Ambry Variant Classification Scheme 2023. Collection method: clinical testing. Allele origin: germline.
Comment: The c.3780C>T variant (also known as p.G1260G), located in coding exon 33 of the MYBPC3 gene, results from a C to T substitution at nucleotide position 3780. This nucleotide substitution does not change the amino acid at codon 1260. This nucleotide position is poorly conserved in available vertebrate species. In silico splice site analysis predicts that this alteration will result in the creation or strengthening of a novel splice donor site. Based on the available evidence, the clinical significance of this variant remains unclear.

Labcorp Genetics (formerly Invitae), Labcorp
Classification: Uncertain significance for Hypertrophic cardiomyopathy. Last evaluated: 2024-05-08. Review status: criteria provided, single submitter. Criteria: Invitae Variant Classification Sherloc (09022015). Collection method: clinical testing. Allele origin: germline.
Comment: This sequence change affects codon 1260 of the MYBPC3 mRNA. It is a 'silent' change, meaning that it does not change the encoded amino acid sequence of the MYBPC3 protein. This variant is present in population databases (rs779312310, gnomAD 0.003%). This variant has not been reported in the literature in individuals affected with MYBPC3-related conditions. ClinVar contains an entry for this variant (Variation ID: 953346). Algorithms developed to predict the effect of sequence changes on RNA splicing suggest that this variant may create or strengthen a splice site. In summary, the available evidence is currently insufficient to determine the role of this variant in disease. Therefore, it has been classified as a Variant of Uncertain Significance.

All of Us Research Program, National Institutes of Health
Classification: Likely benign for Hypertrophic cardiomyopathy. Last evaluated: 2023-12-18. Review status: criteria provided, single submitter. Criteria: ACMG Guidelines, 2015. Collection method: clinical testing. Allele origin: germline. Inheritance: Autosomal dominant inheritance. Observed: 3 variant alleles, 3 heterozygotes.
Comment: This study involves interpretation of variants in research participants for the purpose of population health screening. Participant phenotype was not available at the time of variant classification. Additional details can be found in publication PMID: 35346344, PMCID: PMC8962531

Color Diagnostics, LLC DBA Color Health
Classification: Likely benign for Cardiomyopathy. Last evaluated: 2020-05-12. Review status: criteria provided, single submitter. Criteria: ACMG Guidelines, 2015. Collection method: clinical testing. Allele origin: germline.

Literature cited by the submitters: PubMed 28679633 (cited by Ambry Genetics).

NM_000256.3(MYBPC3):c.3780C>T (p.Gly1260=)

Gene: MYBPC3 (myosin binding protein C3; minus strand). Cytogenetic location: 11p11.2.
Variant type: single nucleotide variant.
Coding change: c.3780C>T on transcript NM_000256.3 (MANE Select); coding-DNA position 3780, C replaced by T.
Protein change: p.Gly1260=; no amino-acid change (glycine 1260 retained).
Molecular consequence: synonymous variant.
Genome position (GRCh38, 1-based): chr11:47,332,106, G>A on the plus strand (C>T on the coding strand, the complement: MYBPC3 is on the minus strand). VCF-style: chr11-47332106-G-A. GRCh37 (hg19) VCF-style: chr11-47353657-G-A.
Identifiers: ClinVar variation 953346 (VCV000953346.10), dbSNP rs779312310, ClinGen allele CA079541.